The following is an entry in ClinVar:

NM_001042492.3(NF1):c.1396C>G (p.Leu466Val)

Gene: NF1 (neurofibromin 1; plus strand). Cytogenetic location: 17q11.2.
Variant type: single nucleotide variant.
Coding change: c.1396C>G on transcript NM_001042492.3 (MANE Select); coding-DNA position 1396, C replaced by G.
Protein change: p.Leu466Val; replaces leucine 466 with valine.
Molecular consequence: missense variant.
Genome position (GRCh38, 1-based): chr17:31,214,454, C>G. VCF-style: chr17-31214454-C-G. GRCh37 (hg19) VCF-style: chr17-29541472-C-G.
Other names: c.1396C>G, p.Leu466Val (NM_000267.4, NM_001128147.3); short protein forms L466V.
Identifiers: ClinVar variation 1486031 (VCV001486031.6), dbSNP rs2143958637, ClinGen allele CA399001413.

ClinVar aggregate classification (germline): Uncertain significance (1 of 4 stars; one submission).

Conditions:
Neurofibromatosis, type 1 (NF1). Also called: NEUROFIBROMATOSIS, TYPE I, SOMATIC; Neurofibromatosis, type I; VON RECKLINGHAUSEN DISEASE; Peripheral type neurofibromatosis. Identifiers: Orphanet 636, MedGen C0027831, MONDO:0018975, OMIM 162200. Disease mechanism: loss of function.

Submission:

Labcorp Genetics (formerly Invitae), Labcorp
Classification: Uncertain significance for Neurofibromatosis, type 1. Last evaluated: 2021-11-01. Review status: criteria provided, single submitter. Criteria: Invitae Variant Classification Sherloc (09022015). Collection method: clinical testing. Allele origin: germline.
Comment: This sequence change replaces leucine, which is neutral and non-polar, with valine, which is neutral and non-polar, at codon 466 of the NF1 protein (p.Leu466Val). In summary, the available evidence is currently insufficient to determine the role of this variant in disease. Therefore, it has been classified as a Variant of Uncertain Significance. Advanced modeling of protein sequence and biophysical properties (such as structural, functional, and spatial information, amino acid conservation, physicochemical variation, residue mobility, and thermodynamic stability) performed at Invitae indicates that this missense variant is expected to disrupt NF1 protein function. This variant has not been reported in the literature in individuals affected with NF1-related conditions. This variant is not present in population databases (gnomAD no frequency).